The following is an entry in ClinVar:

ClinVar aggregate classification (germline): Benign/Likely benign. Review status: criteria provided, multiple submitters, no conflicts (2 of 4 stars). 3 submissions from 3 submitters: Benign (1); Likely benign (2). Last evaluated 2026-04-16.

Conditions:
DICER1-related tumor predisposition. Also called: DICER1 syndrome; DICER1-related pleuropulmonary blastoma cancer predisposition syndrome. Identifiers: Orphanet 284343, MedGen C3839822, MONDO:0100216.
Hereditary cancer-predisposing syndrome. Also called: Neoplastic Syndromes, Hereditary; Tumor predisposition; Hereditary neoplastic syndrome; Hereditary Cancer Syndrome. Identifiers: Orphanet 140162, MedGen C0027672, MeSH D009386, MONDO:0015356.

Allele frequency attached by ClinVar (database versions not stated): gnomAD exomes below 0.00001.
gnomAD v4.1: 2 of 1,614,098 alleles (0.00012%); highest among the groups gnomAD compares: Non-Finnish European, 0.00017%; no homozygotes.

Submissions (3):

Myriad Genetics, Inc.
Classification: Benign for DICER1-related tumor predisposition. Last evaluated: 2026-04-16. Review status: criteria provided, single submitter. Criteria: Myriad Autosomal Dominant, Autosomal Recessive and X-Linked Classification Criteria (2023). Collection method: clinical testing. Allele origin: unknown.
Comment: This variant is considered benign. This variant is a silent/synonymous amino acid change and it is not expected to impact splicing.

Labcorp Genetics (formerly Invitae), Labcorp
Classification: Likely benign for DICER1-related tumor predisposition. Last evaluated: 2024-08-31. Review status: criteria provided, single submitter. Criteria: Invitae Variant Classification Sherloc (09022015). Collection method: clinical testing. Allele origin: germline.

Ambry Genetics
Classification: Likely benign for Hereditary cancer-predisposing syndrome. Last evaluated: 2020-02-07. Review status: criteria provided, single submitter. Criteria: Ambry Variant Classification Scheme 2023. Collection method: clinical testing. Allele origin: germline.

NM_177438.3(DICER1):c.2856T>A (p.Thr952=)

Gene: DICER1 (dicer 1, ribonuclease III; minus strand). Cytogenetic location: 14q32.13.
Variant type: single nucleotide variant.
Coding change: c.2856T>A on transcript NM_177438.3 (MANE Select); coding-DNA position 2856, T replaced by A.
Protein change: p.Thr952=; no amino-acid change (threonine 952 retained).
Molecular consequence: synonymous variant.
Genome position (GRCh38, 1-based): chr14:95,106,172, A>T on the plus strand (T>A on the coding strand, the complement: DICER1 is on the minus strand). VCF-style: chr14-95106172-A-T. GRCh37 (hg19) VCF-style: chr14-95572509-A-T.
Other names: c.2856T>A, p.Thr952= (NM_001195573.1, NM_001271282.3, NM_001291628.2 and 1 more transcripts).
Identifiers: ClinVar variation 845412 (VCV000845412.12), dbSNP rs1891407343, ClinGen allele CA487844749.
Genomic context (GRCh38, chr14:95,106,172, plus strand): 5'-ATAATATTCTGCAAAAGTTTCATACTCAGGGGAAGGAAATTTACTGAGTGGGGTAAGATC[A>T]GTGTACACATCAGCTACATAAAATCGATGAGGCTGATCAAAATTGCGATATCTAAAAAAG-3'
Protein context (NP_803187.1, residues 942-962): PHRFYVADVY[Thr952=]DLTPLSKFPS